The following is an entry in ClinVar:

ClinVar aggregate classification (germline): Uncertain significance (1 of 4 stars; one submission).

Submission:

CeGaT Center for Human Genetics Tuebingen
Classification: Uncertain significance. Last evaluated: 2025-10-01. Review status: criteria provided, single submitter. Criteria: CeGaT Center For Human Genetics Tuebingen Variant Classification Criteria Version 2. Collection method: clinical testing. Allele origin: germline. Affected: yes. Observed: 1 variant allele.
Comment: C3: PM2, PP2

NM_000064.4(C3):c.1090T>C (p.Phe364Leu)

Gene: C3 (complement C3; minus strand). Cytogenetic location: 19p13.3.
Variant type: single nucleotide variant.
Coding change: c.1090T>C on transcript NM_000064.4 (MANE Select); coding-DNA position 1090, T replaced by C.
Protein change: p.Phe364Leu; replaces phenylalanine 364 with leucine.
Molecular consequence: missense variant.
Genome position (GRCh38, 1-based): chr19:6,712,537, A>G on the plus strand (T>C on the coding strand, the complement: C3 is on the minus strand). VCF-style: chr19-6712537-A-G. GRCh37 (hg19) VCF-style: chr19-6712548-A-G.
Other names: short protein forms F364L.
Identifiers: ClinVar variation 4535054 (VCV004535054.6).